The following is an entry in ClinVar:

NM_001376.5(DYNC1H1):c.2670G>T (p.Leu890=)

Gene: DYNC1H1 (dynein cytoplasmic 1 heavy chain 1; plus strand). Cytogenetic location: 14q32.31.
Variant type: single nucleotide variant.
Coding change: c.2670G>T on transcript NM_001376.5 (MANE Select); coding-DNA position 2670, G replaced by T.
Protein change: p.Leu890=; no amino-acid change (leucine 890 retained).
Molecular consequence: synonymous variant.
Genome position (GRCh38, 1-based): chr14:101,987,584, G>T. VCF-style: chr14-101987584-G-T. GRCh37 (hg19) VCF-style: chr14-102453921-G-T.
Identifiers: ClinVar variation 512339 (VCV000512339.18), dbSNP rs142961295, ClinGen allele CA7351858.
Genomic context (GRCh38, chr14:101,987,584, plus strand): 5'-CCATAAGACATTCTCGGAAATCTTGAACAGAGTCCAGAAAGCAGTGGATGACTTAAATCT[G>T]CACTCCTATTCCAATTTGCCCATCTGGGTCAACAAGCTTGACATGGAGGTAAGGGATAGA-3'
Protein context (NP_001367.2, residues 880-900): RVQKAVDDLN[Leu890=]HSYSNLPIWV

ClinVar aggregate classification (germline): Conflicting classifications of pathogenicity. Review status: criteria provided, conflicting classifications (1 of 4 stars). 5 submissions from 4 submitters: Uncertain significance (2); Likely benign (3). Last evaluated 2025-12-09.

Conditions:
Autosomal dominant cerebellar ataxia. Also called: Spinocerebellar Ataxia, Dominant. Identifiers: Orphanet 99, MedGen C4087347, MONDO:0020380.
DYNC1H1-related disorder. Also called: DYNC1H1-related condition; DYNC1H1-related disorders. Identifiers: MedGen CN381529.
Charcot-Marie-Tooth disease axonal type 2O. Also called: Charcot-Marie-Tooth disease, axonal, type 20; CHARCOT-MARIE-TOOTH NEUROPATHY, AXONAL, TYPE 2O; CHARCOT-MARIE-TOOTH DISEASE, AXONAL, AUTOSOMAL DOMINANT, TYPE 2O; Charcot-Marie-Tooth Neuropathy Type 2O. Identifiers: Orphanet 284232, MedGen C3280220, MONDO:0013644, OMIM 614228.

Allele frequency attached by ClinVar (database versions not stated): gnomAD exomes 0.00001 and 0.00004; ExAC 0.00005; gnomAD 0.00013 and 0.00015; TOPMed 0.00015; 1000 Genomes Project 30x 0.00016; 1000 Genomes Project 0.00020; ESP Exome Variant Server 0.00023.
gnomAD v4.1: 28 of 1,614,138 alleles (0.0017%); highest among the groups gnomAD compares: African/African-American, 0.035%; no homozygotes.

Submissions (5):

Labcorp Genetics (formerly Invitae), Labcorp
Classification: Likely benign for Charcot-Marie-Tooth disease axonal type 2O. Last evaluated: 2025-12-09. Review status: criteria provided, single submitter. Criteria: Invitae Variant Classification Sherloc (09022015). Collection method: clinical testing. Allele origin: germline.

PreventionGenetics, part of Exact Sciences
Classification: Likely benign for DYNC1H1-related condition. Last evaluated: 2025-01-23. Review status: criteria provided, single submitter. Criteria: ACMG Guidelines, 2015. Collection method: clinical testing. Allele origin: germline.
Comment: This variant is classified as likely benign based on ACMG/AMP sequence variant interpretation guidelines (Richards et al. 2015 PMID: 25741868, with internal and published modifications).

GeneDx
Classification: Likely benign. Last evaluated: 2020-09-14. Review status: criteria provided, single submitter. Criteria: GeneDx Variant Classification Process June 2021. Collection method: clinical testing. Allele origin: germline. Affected: yes.

Illumina Laboratory Services, Illumina
Classification: Uncertain significance for Spinocerebellar Ataxia, Dominant. Last evaluated: 2018-01-13. Review status: criteria provided, single submitter. Criteria: ICSL Variant Classification Criteria 13 December 2019. Collection method: clinical testing. Allele origin: germline.

Illumina Laboratory Services, Illumina
Classification: Uncertain significance for Charcot-Marie-Tooth disease axonal type 2O. Last evaluated: 2018-01-13. Review status: criteria provided, single submitter. Criteria: ICSL Variant Classification Criteria 13 December 2019. Collection method: clinical testing. Allele origin: germline.